The following is an entry in ClinVar:

ClinVar aggregate classification (germline): Conflicting classifications of pathogenicity. Review status: criteria provided, conflicting classifications (1 of 4 stars). 3 submissions from 3 submitters: Uncertain significance (2); Likely benign (1). Last evaluated 2025-12-11.

Allele frequency attached by ClinVar (database versions not stated): gnomAD exomes below 0.00001 and 0.00002; TOPMed 0.00002.
gnomAD v4.1: 6 of 1,551,752 alleles (0.00039%); highest among the groups gnomAD compares: Admixed American, 0.0078%; no homozygotes.

Submissions (3):

Women's Health and Genetics/Laboratory Corporation of America, LabCorp
Classification: Uncertain significance. Last evaluated: 2025-12-11. Review status: criteria provided, single submitter. Criteria: LabCorp Variant Classification Summary - May 2015. Collection method: clinical testing. Allele origin: germline.
Comment: Variant summary: SETD2 c.316G>A (p.Val106Ile) results in a conservative amino acid change in the encoded protein sequence. Algorithms developed to predict the effect of missense changes on protein structure and function all suggest that this variant is likely to be tolerated. The variant allele was found at a frequency of 1.9e-05 in 157074 control chromosomes. The available data on variant occurrences in the general population are insufficient to allow any conclusion about variant significance. To our knowledge, no occurrence of c.316G>A in individuals affected with SETD2-related conditions and no experimental evidence demonstrating its impact on protein function have been reported. ClinVar contains an entry for this variant (Variation ID: 1313624). Based on the evidence outlined above, the variant was classified as uncertain significance.

CeGaT Center for Human Genetics Tuebingen
Classification: Likely benign. Last evaluated: 2025-12-01. Review status: criteria provided, single submitter. Criteria: CeGaT Center For Human Genetics Tuebingen Variant Classification Criteria Version 2. Collection method: clinical testing. Allele origin: germline. Affected: yes. Observed: 1 variant allele.
Comment: SETD2: BP4

GeneDx
Classification: Uncertain significance. Last evaluated: 2020-11-10. Review status: criteria provided, single submitter. Criteria: GeneDx Variant Classification Process June 2021. Collection method: clinical testing. Allele origin: germline. Affected: yes.
Comment: In silico analysis supports that this missense variant does not alter protein structure/function; Has not been previously published as pathogenic or benign to our knowledge

NM_014159.7(SETD2):c.316G>A (p.Val106Ile)

Gene: SETD2 (SET domain containing 2, histone lysine methyltransferase; minus strand). Cytogenetic location: 3p21.31.
Variant type: single nucleotide variant.
Coding change: c.316G>A on transcript NM_014159.7 (MANE Select); coding-DNA position 316, G replaced by A.
Protein change: p.Val106Ile; replaces valine 106 with isoleucine.
Molecular consequence: missense variant. On other transcripts: non-coding transcript variant (1).
Genome position (GRCh38, 1-based): chr3:47,124,320, C>T on the plus strand (G>A on the coding strand, the complement: SETD2 is on the minus strand). VCF-style: chr3-47124320-C-T. GRCh37 (hg19) VCF-style: chr3-47165810-C-T.
Other names: c.184G>A, p.Val62Ile (NM_001349370.3); short protein forms V106I, V62I.
Identifiers: ClinVar variation 1313624 (VCV001313624.8), dbSNP rs918252164, ClinGen allele CA73812348.